The following is an entry in ClinVar:

NM_001206744.2(TPO):c.2395G>A (p.Glu799Lys)

Genes: LALTOP (lung cancer associated lncRNA targeting TOP2A; minus strand), TPO (thyroid peroxidase; plus strand). Cytogenetic location: 2p25.3.
Variant type: single nucleotide variant.
Coding change: c.2395G>A on transcript NM_001206744.2 (MANE Select); coding-DNA position 2395, G replaced by A.
Protein change: p.Glu799Lys; replaces glutamic acid 799 with lysine.
Molecular consequence: missense variant. On other transcripts: intron variant (1).
Genome position (GRCh38, 1-based): chr2:1,503,956, G>A. VCF-style: chr2-1503956-G-A. GRCh37 (hg19) VCF-style: chr2-1507728-G-A.
Other names: c.2395G>A, p.Glu799Lys (NM_000547.6); c.2224G>A, p.Glu742Lys (NM_001206745.2, NM_175719.4); c.1876G>A, p.Glu626Lys (NM_175722.3); c.2386+7191G>A (NM_175721.3); short protein forms E799K, E742K, E626K.
Identifiers: ClinVar variation 4046 (VCV000004046.46), dbSNP rs121908085, ClinGen allele CA116632.

ClinVar aggregate classification (germline): Pathogenic/Likely pathogenic. Review status: criteria provided, multiple submitters, no conflicts (2 of 4 stars). 6 submissions from 6 submitters: Pathogenic (4); Likely pathogenic (1). 1 of the submissions does not count toward it. Last evaluated 2024-01-09.

Conditions:
Deficiency of iodide peroxidase (TDH2A). Also called: IODIDE PEROXIDASE DEFICIENCY; THYROID HORMONOGENESIS, GENETIC DEFECT IN, 2A; THYROID PEROXIDASE DEFICIENCY; Thyroid dyshormonogenesis 2A; HYPOTHYROIDISM, CONGENITAL, DUE TO DYSHORMONOGENESIS, 2A. Identifiers: Orphanet 95716, MedGen C1291299, MONDO:0010133, OMIM 274500.

Allele frequency attached by ClinVar (database versions not stated): gnomAD exomes 0.00001; TOPMed 0.00004; gnomAD 0.00005; 1000 Genomes Project 30x 0.00016; 1000 Genomes Project 0.00020.
gnomAD v4.1: 27 of 1,614,124 alleles (0.0017%); highest among the groups gnomAD compares: African/African-American, 0.0053%; no homozygotes.

Submissions (6):

Labcorp Genetics (formerly Invitae), Labcorp
Classification: Pathogenic. Last evaluated: 2024-01-09. Review status: criteria provided, single submitter. Criteria: Invitae Variant Classification Sherloc (09022015). Collection method: clinical testing. Allele origin: germline.
Comment: This sequence change replaces glutamic acid, which is acidic and polar, with lysine, which is basic and polar, at codon 799 of the TPO protein (p.Glu799Lys). This variant is present in population databases (rs121908085, gnomAD 0.0009%). This missense change has been observed in individual(s) with thyroid dyshormonogenesis (PMID: 7550241, 28444304, 34780050). In at least one individual the data is consistent with being in trans (on the opposite chromosome) from a pathogenic variant. It has also been observed to segregate with disease in related individuals. This variant is also known as c.2485G>A. ClinVar contains an entry for this variant (Variation ID: 4046). An algorithm developed to predict the effect of missense changes on protein structure and function (PolyPhen-2) suggests that this variant is likely to be disruptive. For these reasons, this variant has been classified as Pathogenic.

Genetic Services Laboratory, University of Chicago
Classification: Likely pathogenic. Last evaluated: 2023-05-12. Review status: criteria provided, single submitter. Criteria: ACMG Guidelines, 2015. Collection method: clinical testing. Allele origin: germline. Affected: yes.
Comment: DNA sequence analysis of the TPO gene demonstrated a sequence change, c.2395G>A, in exon 14 that results in an amino acid change, p.Glu799Lys. This sequence change has been reported in several individuals and families with congenital hypothyroidism in both homozygous and compound heterozygous state (PMID: 9024270, 7550241, 34780050, 28444304, 17468186). It has also been reported in two families from a large Amish kindred with severe hypothyroidism due to a complete iodide organification defect (PMID: 10084596). Functional studies showed that this variant has some impact on protein function as it showed no detectable enzymatic TPO activity (PMID 9024270). The p.Glu799Lys change affects a highly conserved amino acid residue located in a domain of the TPO protein that is known to be functional. In-silico pathogenicity prediction tools (SIFT, PolyPhen2, Align GVGD, REVEL) provide contradictory results for the p.Glu799Lys substitution. This sequence change has been described in the gnomAD database in two individuals which corresponds to a population frequency of 0.0007% (dbSNP rs121908085). These collective evidences indicate that this sequence change is likely pathogenic.

CeGaT Center for Human Genetics Tuebingen
Classification: Pathogenic. Last evaluated: 2021-11-01. Review status: criteria provided, single submitter. Criteria: CeGaT Center For Human Genetics Tuebingen Variant Classification Criteria Version 2. Collection method: clinical testing. Allele origin: germline. Affected: yes. Observed: 2 variant alleles.

Dubai Health Genomic Medicine Center, Dubai Health
Classification: Pathogenic for Deficiency of iodide peroxidase. Last evaluated: 2020-02-20. Review status: criteria provided, single submitter. Criteria: ACMG Guidelines, 2015. Collection method: clinical testing. Allele origin: germline. Affected: yes.

Illumina Laboratory Services, Illumina
Classification: Pathogenic for Deficiency of iodide peroxidase. Last evaluated: 2017-04-28. Review status: criteria provided, single submitter. Criteria: ICSL Variant Classification Criteria 09 May 2019. Collection method: clinical testing. Allele origin: germline.
Comment: The TPO c.2395G>A (p.Glu799Lys) variant has been reported in three studies in a total of 17 individuals with congenital hypothyroidism, including 11 homozygotes from a large consanguineous Amish family where the variant co-segregated with disease and six unrelated compound heterozygotes (Bikker et al. 1995; Pannain et al. 1999; Avbelj et al. 2007). Control data are unavailable for the variant, which is reported at a frequency of 0.00485 in the Chinese Han in Beijing, China, population of the 1000 Genomes Project, however this is based on one allele only so the variant is presumed to be rare. In CHO-K1 cells, the p.Glu799Lys variant had similar cellular distribution and expression levels compared to wildtype but had non-detectable activity in the guaiacol assay and exhibited nonenzymatic reaction rate in iodide oxidation assay, suggesting that this variant produces inactive TPO (Bikker et al. 1997). Based on the evidence, the p.Glu799Lys variant is classified as pathogenic for congenital hypothyroidism. This variant was observed by ICSL as part of a predisposition screen in an ostensibly healthy population.

OMIM
Classification: Pathogenic for THYROID DYSHORMONOGENESIS 2A. Last evaluated: 1999-03-01. Review status: no assertion criteria provided. Collection method: literature only. Allele origin: germline. Not counted in ClinVar's aggregate classification.

Literature cited by the submitters: PubMed 7550241 (cited by 3 submitters); PubMed 28444304 (cited by Labcorp Genetics (formerly Invitae), Labcorp); PubMed 34780050 (cited by Labcorp Genetics (formerly Invitae), Labcorp); PubMed 17468186 (cited by Illumina Laboratory Services, Illumina); PubMed 9024270 (cited by Illumina Laboratory Services, Illumina); PubMed 10084596 (cited by Illumina Laboratory Services, Illumina and OMIM).